The following is an entry in ClinVar:

ClinVar aggregate classification (germline): Uncertain significance (1 of 4 stars; one submission).

Conditions:
Cystic fibrosis (CF). Also called: MUCOVISCIDOSIS. Identifiers: Orphanet 586, MedGen C0010674, MONDO:0009061, OMIM 219700. Disease mechanism: loss of function.

Submission:

Ambry Genetics
Classification: Uncertain significance for Cystic fibrosis. Last evaluated: 2024-07-27. Review status: criteria provided, single submitter. Criteria: Ambry Variant Classification Scheme 2023. Collection method: clinical testing. Allele origin: germline.
Comment: The p.I701V variant (also known as c.2101A>G), located in coding exon 14 of the CFTR gene, results from an A to G substitution at nucleotide position 2101. The isoleucine at codon 701 is replaced by valine, an amino acid with highly similar properties. This amino acid position is conserved. In addition, the in silico prediction for this alteration is inconclusive. Based on the available evidence, the clinical significance of this variant remains unclear.

NM_000492.4(CFTR):c.2101A>G (p.Ile701Val)

Gene: CFTR (CF transmembrane conductance regulator; plus strand). Cytogenetic location: 7q31.2.
Variant type: single nucleotide variant.
Coding change: c.2101A>G on transcript NM_000492.4 (MANE Select); coding-DNA position 2101, A replaced by G.
Protein change: p.Ile701Val; replaces isoleucine 701 with valine.
Molecular consequence: missense variant.
Genome position (GRCh38, 1-based): chr7:117,592,268, A>G. VCF-style: chr7-117592268-A-G. GRCh37 (hg19) VCF-style: chr7-117232322-A-G.
Other names: short protein forms I701V.
Identifiers: ClinVar variation 3491599 (VCV003491599.1).